The following is an entry in ClinVar:

NM_000535.7(PMS2):c.2148C>T (p.Thr716=)

Gene: PMS2 (PMS1 homolog 2, mismatch repair system component; minus strand). Cytogenetic location: 7p22.1.
Variant type: single nucleotide variant.
Coding change: c.2148C>T on transcript NM_000535.7 (MANE Select); coding-DNA position 2148, C replaced by T.
Protein change: p.Thr716=; no amino-acid change (threonine 716 retained).
Molecular consequence: synonymous variant. On other transcripts: non-coding transcript variant (1).
Genome position (GRCh38, 1-based): chr7:5,982,850, G>A on the plus strand (C>T on the coding strand, the complement: PMS2 is on the minus strand). VCF-style: chr7-5982850-G-A. GRCh37 (hg19) VCF-style: chr7-6022481-G-A.
Other names: c.1743C>T, p.Thr581= (NM_001322003.2, NM_001322004.2, NM_001322005.2 and 1 more transcripts); c.1992C>T, p.Thr664= (NM_001322006.2); c.1830C>T, p.Thr610= (NM_001322007.2, NM_001322008.2); c.1587C>T, p.Thr529= (NM_001322010.2); c.1215C>T, p.Thr405= (NM_001322011.2, NM_001322012.2); c.1575C>T, p.Thr525= (NM_001322013.2); c.2148C>T, p.Thr716= (NM_001322014.2); c.1839C>T, p.Thr613= (NM_001322015.2).
Identifiers: ClinVar variation 186681 (VCV000186681.58), dbSNP rs748404138, ClinGen allele CA010898.
Genomic context (GRCh38, chr7:5,982,850, plus strand): 5'-GGGGAGTCTGGGAATGAACACTAAACACACTCACGCTATGAGCCTCTGCCCCTGGAGCAC[G>A]GTGTGCTGCTGCAGCATCTCGAAGTTATACTTCTCGTCCGTGGCATGCTGGTCCACTATG-3'
Protein context (NP_000526.2, residues 706-726): KYNFEMLQQH[Thr716=]VLQGQRLIAP

ClinVar aggregate classification (germline): Benign/Likely benign. Review status: criteria provided, multiple submitters, no conflicts (2 of 4 stars). 13 submissions from 13 submitters: Benign (1); Likely benign (11). 1 of the submissions does not count toward it. Last evaluated 2026-01-28.

Conditions:
Hereditary nonpolyposis colorectal neoplasms. Identifiers: MedGen C0009405, MeSH D003123.
Breast and/or ovarian cancer. Identifiers: MedGen CN221562.
Hereditary cancer-predisposing syndrome. Also called: Tumor predisposition; Neoplastic Syndromes, Hereditary; Hereditary Cancer Syndrome; Hereditary neoplastic syndrome. Identifiers: Orphanet 140162, MedGen C0027672, MeSH D009386, MONDO:0015356.
Lynch syndrome 4 (LYNCH4). Also called: Hereditary non-polyposis colorectal cancer, type 4; Colorectal cancer, hereditary nonpolyposis, type 4. Identifiers: Orphanet 144, MedGen C1838333, MONDO:0013699, OMIM 614337. Disease mechanism: loss of function.
Malignant tumor of breast. Also called: Malignant breast neoplasm; Cancer breast. Identifiers: MedGen C0006142, MONDO:0007254. Disease mechanism: loss of function.

Allele frequency attached by ClinVar (database versions not stated): gnomAD 0.00001; TOPMed 0.00001; ExAC 0.00002; gnomAD exomes 0.00002.
gnomAD v4.1: 31 of 1,606,232 alleles (0.0019%); highest among the groups gnomAD compares: South Asian, 0.0088%; no homozygotes.

Submissions (13):

Labcorp Genetics (formerly Invitae), Labcorp
Classification: Likely benign for Hereditary nonpolyposis colorectal neoplasms. Last evaluated: 2026-01-28. Review status: criteria provided, single submitter. Criteria: Invitae Variant Classification Sherloc (09022015). Collection method: clinical testing. Allele origin: germline.

Center for Genomic Medicine, Rigshospitalet, Copenhagen University Hospital
Classification: Likely benign. Last evaluated: 2025-03-04. Review status: criteria provided, single submitter. Criteria: ACMG Guidelines, 2015. Collection method: clinical testing. Allele origin: germline.

Myriad Genetics, Inc.
Classification: Benign for Lynch syndrome 4. Last evaluated: 2025-02-03. Review status: criteria provided, single submitter. Criteria: Myriad Autosomal Dominant, Autosomal Recessive and X-Linked Classification Criteria (2023). Collection method: clinical testing. Allele origin: unknown.
Comment: This variant is considered benign. This variant is a silent/synonymous amino acid change and it is not expected to impact splicing.

CeGaT Center for Human Genetics Tuebingen
Classification: Likely benign. Last evaluated: 2023-11-01. Review status: criteria provided, single submitter. Criteria: CeGaT Center For Human Genetics Tuebingen Variant Classification Criteria Version 2. Collection method: clinical testing. Allele origin: germline. Affected: yes. Observed: 1 variant allele.
Comment: PMS2: BP4, BP7

Women's Health and Genetics/Laboratory Corporation of America, LabCorp
Classification: Likely benign. Last evaluated: 2022-09-30. Review status: criteria provided, single submitter. Criteria: LabCorp Variant Classification Summary - May 2015. Collection method: clinical testing. Allele origin: germline.

Color Diagnostics, LLC DBA Color Health
Classification: Likely benign for Hereditary cancer-predisposing syndrome. Last evaluated: 2022-03-02. Review status: criteria provided, single submitter. Criteria: ACMG Guidelines, 2015. Collection method: clinical testing. Allele origin: germline.

Blueprint Genetics
Classification: Likely benign. Last evaluated: 2021-12-28. Review status: criteria provided, single submitter. Criteria: ACMG Guidelines, 2015. Collection method: clinical testing. Allele origin: germline.

Sema4
Classification: Likely benign for Hereditary cancer-predisposing syndrome. Last evaluated: 2021-06-20. Review status: criteria provided, single submitter. Criteria: Sema4 Curation Guidelines. Collection method: curation. Allele origin: germline.

CHEO Genetics Diagnostic Laboratory, Children's Hospital of Eastern Ontario
Classification: Likely benign for Breast and/or ovarian cancer. Last evaluated: 2020-06-08. Review status: criteria provided, single submitter. Criteria: ACMG Guidelines, 2015. Collection method: clinical testing. Allele origin: germline.

Quest Diagnostics Nichols Institute San Juan Capistrano
Classification: Likely benign. Last evaluated: 2019-12-13. Review status: criteria provided, single submitter. Criteria: Quest Diagnostics criteria. Collection method: clinical testing. Allele origin: unknown.

GeneDx
Classification: Likely benign. Last evaluated: 2017-11-06. Review status: criteria provided, single submitter. Criteria: GeneDx Variant Classification (06012015). Collection method: clinical testing. Allele origin: germline. Affected: yes.
Comment: This variant is considered likely benign or benign based on one or more of the following criteria: it is a conservative change, it occurs at a poorly conserved position in the protein, it is predicted to be benign by multiple in silico algorithms, and/or has population frequency not consistent with disease.

Ambry Genetics
Classification: Likely benign for Hereditary cancer-predisposing syndrome. Last evaluated: 2014-10-08. Review status: criteria provided, single submitter. Criteria: Ambry Variant Classification Scheme 2023. Collection method: clinical testing. Allele origin: germline.

Department of Pathology and Laboratory Medicine, Sinai Health System
Classification: Likely benign for Malignant tumor of breast. Review status: no assertion criteria provided. Collection method: clinical testing. Allele origin: unknown. Affected: yes. Study: The Canadian Open Genetics Repository (COGR). Not counted in ClinVar's aggregate classification.
Comment: The PMS2 p.Thr716= variant was not identified in the literature. The variant was identified in dbSNP (ID: rs748404138) as "With Likely benign allele", ClinVar (classified as likely benign by Ambry Genetics and GeneDx).The variant was identified in control databases in 6 of 263760 chromosomes at a frequency of 0.00002 (Genome Aggregation Database Feb 27, 2017). The variant was observed in the following populations: Other in 1 of 6242 chromosomes (freq: 0.00016), European Non-Finnish in 3 of 119500 chromosomes (freq: 0.000025), East Asian in 1 of 18288 chromosomes (freq: 0.000055), and South Asian in 1 of 29828 chromosomes (freq: 0.000034), while the variant was not observed in the African, Latino, Ashkenazi Jewish, or Finnish populations. The PMS2 c.2148C>T variant is not expected to have clinical significance because it does not result in a change of amino acid and is not located in a known consensus splice site. The variant occurs outside of the splicing consensus sequence and in silico or computational prediction software programs (SpliceSiteFinder, MaxEntScan, NNSPLICE, GeneSplicer) do not predict a difference in splicing. In addition, the nucleotide at position c.2148 is not highly conserved across mammalian species. In summary, based on the above information the clinical significance of this variant cannot be determined with certainty at this time although we would lean towards a more benign role for this variant. This variant is classified as likely benign.